The following is an entry in ClinVar:

ClinVar aggregate classification (germline): Likely pathogenic (1 of 4 stars; one submission).

Submission:

Labcorp Genetics (formerly Invitae), Labcorp
Classification: Likely pathogenic. Last evaluated: 2024-01-24. Review status: criteria provided, single submitter. Criteria: Invitae Variant Classification Sherloc (09022015). Collection method: clinical testing. Allele origin: germline.
Comment: This sequence change affects a donor splice site in intron 17 of the PLOD3 gene. It is expected to disrupt RNA splicing. Variants that disrupt the donor or acceptor splice site typically lead to a loss of protein function (PMID: 16199547), and loss-of-function variants in PLOD3 are known to be pathogenic (PMID: 30237576). This variant is not present in population databases (gnomAD no frequency). This variant has not been reported in the literature in individuals affected with PLOD3-related conditions. ClinVar contains an entry for this variant (Variation ID: 1939669). Algorithms developed to predict the effect of sequence changes on RNA splicing suggest that this variant may disrupt the consensus splice site. In summary, the currently available evidence indicates that the variant is pathogenic, but additional data are needed to prove that conclusively. Therefore, this variant has been classified as Likely Pathogenic.

Literature cited by the submitters: PubMed 16199547; PubMed 30237576.

NM_001084.5(PLOD3):c.1935+1G>A

Gene: PLOD3 (procollagen-lysine,2-oxoglutarate 5-dioxygenase 3; minus strand). Cytogenetic location: 7q22.1.
Variant type: single nucleotide variant.
Coding change: c.1935+1G>A on transcript NM_001084.5 (MANE Select); the canonical splice donor site of the intron after coding-DNA position 1935, G replaced by A.
Molecular consequence: splice donor variant.
Genome position (GRCh38, 1-based): chr7:101,207,577, C>T on the plus strand (G>A on the coding strand, the complement: PLOD3 is on the minus strand). VCF-style: chr7-101207577-C-T. GRCh37 (hg19) VCF-style: chr7-100850858-C-T.
Identifiers: ClinVar variation 1939669 (VCV001939669.5), dbSNP rs2535158272, ClinGen allele CA368610351.